The following is an entry in ClinVar:

NM_000532.5(PCCB):c.913A>G (p.Ile305Val)

Gene: PCCB (propionyl-CoA carboxylase subunit beta; plus strand). Cytogenetic location: 3q22.3.
Variant type: single nucleotide variant.
Coding change: c.913A>G on transcript NM_000532.5 (MANE Select); coding-DNA position 913, A replaced by G.
Protein change: p.Ile305Val; replaces isoleucine 305 with valine.
Molecular consequence: missense variant.
Genome position (GRCh38, 1-based): chr3:136,301,058, A>G. VCF-style: chr3-136301058-A-G. GRCh37 (hg19) VCF-style: chr3-136019900-A-G.
Other names: c.973A>G, p.Ile325Val (NM_001178014.2); short protein forms I305V, I325V.
Identifiers: ClinVar variation 2201138 (VCV002201138.1), dbSNP rs538202253, ClinGen allele CA2631936.

ClinVar aggregate classification (germline): Uncertain significance (1 of 4 stars; one submission).

Conditions:
Propionic acidemia (PROP). Also called: GLYCINEMIA, KETOTIC; HYPERGLYCINEMIA WITH KETOACIDOSIS AND LEUKOPENIA; KETOTIC HYPERGLYCINEMIA. Identifiers: Orphanet 35, MedGen C0268579, MONDO:0011628, OMIM 606054, HP:0003571.

Allele frequency attached by ClinVar (database versions not stated): gnomAD 0.00001; TOPMed 0.00001; gnomAD exomes 0.00002; ExAC 0.00003; 1000 Genomes Project 30x 0.00031; 1000 Genomes Project 0.00040.
gnomAD v4.1: 25 of 1,614,118 alleles (0.0015%); highest among the groups gnomAD compares: East Asian, 0.0089%; no homozygotes.

Submission:

Labcorp Genetics (formerly Invitae), Labcorp
Classification: Uncertain significance for Propionic acidemia. Last evaluated: 2022-07-17. Review status: criteria provided, single submitter. Criteria: Invitae Variant Classification Sherloc (09022015). Collection method: clinical testing. Allele origin: germline.
Comment: This sequence change replaces isoleucine, which is neutral and non-polar, with valine, which is neutral and non-polar, at codon 305 of the PCCB protein (p.Ile305Val). This variant is present in population databases (rs538202253, gnomAD 0.02%). This variant has not been reported in the literature in individuals affected with PCCB-related conditions. Advanced modeling of protein sequence and biophysical properties (such as structural, functional, and spatial information, amino acid conservation, physicochemical variation, residue mobility, and thermodynamic stability) performed at Invitae indicates that this missense variant is not expected to disrupt PCCB protein function. In summary, the available evidence is currently insufficient to determine the role of this variant in disease. Therefore, it has been classified as a Variant of Uncertain Significance.